The following is an entry in ClinVar:

NM_001323289.2(CDKL5):c.2531dup (p.His844fs)

Gene: CDKL5 (cyclin dependent kinase like 5; plus strand). Cytogenetic location: Xp22.13.
Variant type: Duplication.
Coding change: c.2531dup on transcript NM_001323289.2 (MANE Select); coding-DNA position 2531, one base duplicated (A; older notation c.2531dupA).
Protein change: p.His844fs; shifts the reading frame from histidine 844.
Molecular consequence: frameshift variant.
Genome position (GRCh38, 1-based): chrX:18,628,405, A duplicated. VCF-style (leftmost placement, unchanged base first): chrX-18628404-C-CA. GRCh37 (hg19) VCF-style: chrX-18646524-C-CA.
Other names: NM_001323289.2(CDKL5):c.2531dup; p.His844fs; c.2531dup, p.His844fs (NM_001037343.2, NM_003159.3); c.2531dupA (NM_003159.2); short protein forms H844fs.
Identifiers: ClinVar variation 189582 (VCV000189582.3), dbSNP rs786204980, ClinGen allele CA235610.

ClinVar aggregate classification (germline): Likely pathogenic. Review status: criteria provided, single submitter (1 of 4 stars). 2 submissions from 2 submitters: Likely pathogenic (1). 1 of the submissions does not count toward it. Last evaluated 2024-09-20.

Conditions:
CDKL5 disorder. Identifiers: MedGen CN296942, MONDO:0100039.

Submissions (2):

Centre for Population Genomics, CPG
Classification: Likely pathogenic for CDKL5 disorder. Last evaluated: 2024-09-20. Review status: criteria provided, single submitter. Criteria: McKnight et al. (Hum Mutat. 2022). Collection method: curation. Allele origin: germline. Inheritance: X-linked inheritance.
Comment: This variant has been collected from RettBASE and curated to current modified ACMG/AMP criteria. Based on the classification scheme defined by the ClinGen Rett/Angelman-like Expert Panel for Rett/AS-like Disorders Specifications to the ACMG/AMP Variant Interpretation Guidelines VCEP 3.0, this variant is classified as likely pathogenic. At least the following criteria are met: Predicted to result in loss of function, and LOF is a known mechanism of disease (PVS1). This variant is absent from gnomAD v4 (PM2_Supporting). Predicted to result in loss of function, and LOF is a known mechanism of disease (PVS1). This variant is absent from gnomAD v4 (PM2_Supporting).

RettBASE
Classification: Pathogenic. Last evaluated: 2014-03-13. Review status: no assertion criteria provided. Collection method: curation. Allele origin: unknown. Observed: 1 variant allele. Not counted in ClinVar's aggregate classification.

Literature cited by the submitters: PubMed 23064044 (cited by RettBASE).